The following is an entry in ClinVar:

ClinVar aggregate classification (germline): Likely pathogenic (1 of 4 stars; one submission).

Conditions:
Nemaline myopathy 2 (NEM2). Also called: Nemaline myopathy 2, autosomal recessive. Identifiers: MedGen C1850569, MONDO:0009725, OMIM 256030.

Submission:

Natera, Inc.
Classification: Likely pathogenic for Nemaline myopathy type 2. Last evaluated: 2025-08-07. Review status: criteria provided, single submitter. Criteria: Natera Variant Classification Schema (03/2026). Collection method: clinical testing. Allele origin: germline.
Comment: The c.3192T>G variant in NEB is a nonsense variant predicted to introduce a stop codon at amino acid 1064. This variant is expected to result in nonsense mediated decay, truncation, or a dysfunctional protein product. This variant is rare in the general population with a frequency below the threshold expected for the associated phenotype(s). Given the available evidence, this variant is classified as Likely Pathogenic.

NM_001164508.2(NEB):c.3192T>G (p.Tyr1064Ter)

Gene: NEB (nebulin; minus strand). Cytogenetic location: 2q23.3.
Variant type: single nucleotide variant.
Coding change: c.3192T>G on transcript NM_001164508.2 (MANE Select); coding-DNA position 3192, T replaced by G.
Protein change: p.Tyr1064Ter; replaces tyrosine 1064 with a stop codon.
Molecular consequence: nonsense.
Genome position (GRCh38, 1-based): chr2:151,679,784, A>C on the plus strand (T>G on the coding strand, the complement: NEB is on the minus strand). VCF-style: chr2-151679784-A-C. GRCh37 (hg19) VCF-style: chr2-152536298-A-C.
Other names: c.3192T>G, p.Tyr1064Ter (NM_001164507.2, NM_001271208.2, NM_004543.5); short protein forms Y1064*.
Identifiers: ClinVar variation 4814773 (VCV004814773.1).
Genomic context (GRCh38, chr2:151,679,784, plus strand): 5'-ACTCGCCGCCTGCCTGGCAGCTTTGGCAGCTCTGATGGGAATCGCATCAGTTCTCAGGTC[A>C]TATCCCTTCTTGCTCAAGTCTTTCAAGTCTGCTTTGTACATATTCTGAAAGAAAAATGTC-3'